The following is an entry in ClinVar:

NM_022124.6(CDH23):c.2803C>T (p.Arg935Cys)

Gene: CDH23 (cadherin related 23; plus strand). Cytogenetic location: 10q22.1.
Variant type: single nucleotide variant.
Coding change: c.2803C>T on transcript NM_022124.6 (MANE Select); coding-DNA position 2803, C replaced by T.
Protein change: p.Arg935Cys; replaces arginine 935 with cysteine.
Molecular consequence: missense variant.
Genome position (GRCh38, 1-based): chr10:71,704,980, C>T. VCF-style: chr10-71704980-C-T. GRCh37 (hg19) VCF-style: chr10-73464737-C-T.
Other names: c.2803C>T, p.Arg935Cys (NM_001171930.2, NM_001171931.2); short protein forms R935C.
Identifiers: ClinVar variation 938637 (VCV000938637.8), dbSNP rs758451585, ClinGen allele CA5544344.
Genomic context (GRCh38, chr10:71,704,980, plus strand): 5'-ATCGACCTCGATGAGGGCCTGAACGGCCTGGTGTCCTACCGCATGCCGGTGGGCATGCCC[C>T]GCATGGACTTCCTCATCAACAGCAGCAGCGGCGTGGTGGTCACCACCACCGAGCTGGACC-3'
Protein context (NP_071407.4, residues 925-945): VSYRMPVGMP[Arg935Cys]MDFLINSSSG

ClinVar aggregate classification (germline): Uncertain significance. Review status: criteria provided, multiple submitters, no conflicts (2 of 4 stars). 3 submissions from 3 submitters: Uncertain significance (2). 1 of the submissions does not count toward it. Last evaluated 2022-08-20.

Conditions:
Usher syndrome type 1 (USH1). Also called: RETINITIS PIGMENTOSA AND CONGENITAL DEAFNESS. Identifiers: Orphanet 231169, Orphanet 886, MedGen C1568247, MONDO:0010168, OMIM 276900.

Allele frequency attached by ClinVar (database versions not stated): gnomAD 0.00001; TOPMed 0.00002.
gnomAD v4.1: 11 of 1,612,728 alleles (0.00068%); highest among the groups gnomAD compares: East Asian, 0.0089%; no homozygotes.

Submissions (3):

Labcorp Genetics (formerly Invitae), Labcorp
Classification: Uncertain significance. Last evaluated: 2022-08-20. Review status: criteria provided, single submitter. Criteria: Invitae Variant Classification Sherloc (09022015). Collection method: clinical testing. Allele origin: germline.
Comment: This sequence change replaces arginine, which is basic and polar, with cysteine, which is neutral and slightly polar, at codon 935 of the CDH23 protein (p.Arg935Cys). This variant is present in population databases (rs758451585, gnomAD 0.003%). This variant has not been reported in the literature in individuals affected with CDH23-related conditions. ClinVar contains an entry for this variant (Variation ID: 938637). Algorithms developed to predict the effect of missense changes on protein structure and function are either unavailable or do not agree on the potential impact of this missense change (SIFT: "Deleterious"; PolyPhen-2: "Not Available"; Align-GVGD: "Class C65"). In summary, the available evidence is currently insufficient to determine the role of this variant in disease. Therefore, it has been classified as a Variant of Uncertain Significance.

Blueprint Genetics
Classification: Uncertain significance. Last evaluated: 2019-12-12. Review status: criteria provided, single submitter. Criteria: ACMG Guidelines, 2015. Collection method: clinical testing. Allele origin: germline.

Natera, Inc.
Classification: Uncertain significance for Usher syndrome type 1. Last evaluated: 2021-02-22. Review status: no assertion criteria provided. Collection method: clinical testing. Allele origin: germline. Not counted in ClinVar's aggregate classification.